The following is an entry in ClinVar:

ClinVar aggregate classification (germline): Conflicting classifications of pathogenicity. Review status: criteria provided, conflicting classifications (1 of 4 stars). 5 submissions from 3 submitters: Uncertain significance (2); Benign (1); Likely benign (2). Last evaluated 2025-08-23.

Conditions:
Aplastic anemia. Identifiers: Orphanet 182040, Orphanet 88, MedGen C0002874, MONDO:0015909, OMIM 609135, HP:0001915.
Dyskeratosis congenita, autosomal dominant 2. Identifiers: MedGen C3151443, MONDO:0013521, OMIM 613989.
Idiopathic Pulmonary Fibrosis. Also called: Idiopathic fibrosing alveolitis, chronic form; idiopathic fibrosing alveolitis. Identifiers: Orphanet 2032, MedGen C1800706, MeSH D054990, MONDO:0800504.
Pulmonary fibrosis and/or bone marrow failure, Telomere-related, 1. Also called: PULMONARY FIBROSIS AND/OR BONE MARROW FAILURE SYNDROME, TELOMERE-RELATED, 1. Identifiers: Orphanet 88, MedGen C3553617, MONDO:0013878, OMIM 614742.
Dyskeratosis congenita. Identifiers: Orphanet 1775, MedGen C0265965, MONDO:0015780.

Allele frequency attached by ClinVar (database versions not stated): TOPMed below 0.00001; gnomAD 0.00001; gnomAD exomes 0.00001; ExAC 0.00002.

Submissions (5):

Labcorp Genetics (formerly Invitae), Labcorp
Classification: Likely benign for Dyskeratosis congenita, autosomal dominant 2; Idiopathic Pulmonary Fibrosis. Last evaluated: 2025-08-23. Review status: criteria provided, single submitter. Criteria: Invitae Variant Classification Sherloc (09022015). Collection method: clinical testing. Allele origin: germline.

Ambry Genetics
Classification: Likely benign for Dyskeratosis congenita. Last evaluated: 2022-03-24. Review status: criteria provided, single submitter. Criteria: Ambry Variant Classification Scheme 2023. Collection method: clinical testing. Allele origin: germline.

Illumina Laboratory Services, Illumina
Classification: Uncertain significance for Dyskeratosis congenita, autosomal dominant 2. Last evaluated: 2018-01-13. Review status: criteria provided, single submitter. Criteria: ICSL Variant Classification Criteria 13 December 2019. Collection method: clinical testing. Allele origin: germline.

Illumina Laboratory Services, Illumina
Classification: Benign for Pulmonary fibrosis and/or bone marrow failure, Telomere-related, 1. Last evaluated: 2018-01-13. Review status: criteria provided, single submitter. Criteria: ICSL Variant Classification Criteria 13 December 2019. Collection method: clinical testing. Allele origin: germline.
Comment: This variant was observed in the ICSL laboratory as part of a predisposition screen in an ostensibly healthy population. It had not been previously curated by ICSL or reported in the Human Gene Mutation Database (HGMD: prior to June 1st, 2018), and was therefore a candidate for classification through an automated scoring system. Utilizing variant allele frequency, disease prevalence and penetrance estimates, and inheritance mode, an automated score was calculated to assess if this variant is too frequent to cause the disease. Based on the score and internal cut-off values, a variant classified as benign is not then subjected to further curation. The score for this variant resulted in a classification of benign for this disease.

Illumina Laboratory Services, Illumina
Classification: Uncertain significance for Aplastic anemia. Last evaluated: 2018-01-13. Review status: criteria provided, single submitter. Criteria: ICSL Variant Classification Criteria 13 December 2019. Collection method: clinical testing. Allele origin: germline.

NM_198253.3(TERT):c.2781A>G (p.Leu927=)

Gene: TERT (telomerase reverse transcriptase; minus strand). Cytogenetic location: 5p15.33.
Variant type: single nucleotide variant.
Coding change: c.2781A>G on transcript NM_198253.3 (MANE Select); coding-DNA position 2781, A replaced by G.
Protein change: p.Leu927=; no amino-acid change (leucine 927 retained).
Molecular consequence: synonymous variant. On other transcripts: intron variant (1).
Genome position (GRCh38, 1-based): chr5:1,264,466, T>C on the plus strand (A>G on the coding strand, the complement: TERT is on the minus strand). VCF-style: chr5-1264466-T-C. GRCh37 (hg19) VCF-style: chr5-1264581-T-C.
Other names: c.2654+1998A>G (NM_001193376.3).
Identifiers: ClinVar variation 350629 (VCV000350629.16), dbSNP rs370292237, ClinGen allele CA3184396.